The following is an entry in ClinVar:

ClinVar aggregate classification (germline): Uncertain significance (1 of 4 stars; one submission).

Allele frequency attached by ClinVar (database versions not stated): gnomAD exomes below 0.00001.
gnomAD v4.1: 2 of 1,614,162 alleles (0.00012%); highest among the groups gnomAD compares: Admixed American, 0.0017%; no homozygotes.

Submission:

Labcorp Genetics (formerly Invitae), Labcorp
Classification: Uncertain significance. Last evaluated: 2021-08-31. Review status: criteria provided, single submitter. Criteria: Invitae Variant Classification Sherloc (09022015). Collection method: clinical testing. Allele origin: germline.
Comment: This sequence change replaces serine with asparagine at codon 3380 of the FAT4 protein (p.Ser3380Asn). The serine residue is highly conserved and there is a small physicochemical difference between serine and asparagine. This variant is not present in population databases (ExAC no frequency). This variant has not been reported in the literature in individuals affected with FAT4-related conditions. Advanced modeling of protein sequence and biophysical properties (such as structural, functional, and spatial information, amino acid conservation, physicochemical variation, residue mobility, and thermodynamic stability) performed at Invitae indicates that this missense variant is not expected to disrupt FAT4 protein function. In summary, the available evidence is currently insufficient to determine the role of this variant in disease. Therefore, it has been classified as a Variant of Uncertain Significance.

NM_001291303.3(FAT4):c.10145G>A (p.Ser3382Asn)

Gene: FAT4 (FAT atypical cadherin 4; plus strand). Cytogenetic location: 4q28.1.
Variant type: single nucleotide variant.
Coding change: c.10145G>A on transcript NM_001291303.3 (MANE Select); coding-DNA position 10145, G replaced by A.
Protein change: p.Ser3382Asn; replaces serine 3382 with asparagine.
Molecular consequence: missense variant.
Genome position (GRCh38, 1-based): chr4:125,451,155, G>A. VCF-style: chr4-125451155-G-A. GRCh37 (hg19) VCF-style: chr4-126372310-G-A.
Other names: c.10145G>A, p.Ser3382Asn (NM_001291285.3); c.10139G>A, p.Ser3380Asn (NM_024582.6); short protein forms S3382N, S3380N.
Identifiers: ClinVar variation 1489548 (VCV001489548.5), dbSNP rs759749398, ClinGen allele CA104882248.